The following is an entry in ClinVar:

ClinVar aggregate classification (germline): Uncertain significance (1 of 4 stars; one submission).

Conditions:
Autosomal recessive mendelian susceptibility to mycobacterial diseases due to complete RORgamma receptor deficiency. Also called: Immunodeficiency 42. Identifiers: Orphanet 477857, MedGen C5567647, MONDO:0014710, OMIM 616622.

Allele frequency attached by ClinVar (database versions not stated): gnomAD 0.00001; TOPMed 0.00001.

Submission:

Labcorp Genetics (formerly Invitae), Labcorp
Classification: Uncertain significance for Autosomal recessive mendelian susceptibility to mycobacterial diseases due to complete RORgamma receptor deficiency. Last evaluated: 2022-07-01. Review status: criteria provided, single submitter. Criteria: Invitae Variant Classification Sherloc (09022015). Collection method: clinical testing. Allele origin: germline.
Comment: This sequence change replaces arginine, which is basic and polar, with histidine, which is basic and polar, at codon 374 of the RORC protein (p.Arg374His). This variant is present in population databases (rs200446012, gnomAD 0.007%). This variant has not been reported in the literature in individuals affected with RORC-related conditions. ClinVar contains an entry for this variant (Variation ID: 1426125). Algorithms developed to predict the effect of missense changes on protein structure and function output the following: SIFT: "Tolerated"; PolyPhen-2: "Benign"; Align-GVGD: "Class C0". The histidine amino acid residue is found in multiple mammalian species, which suggests that this missense change does not adversely affect protein function. In summary, the available evidence is currently insufficient to determine the role of this variant in disease. Therefore, it has been classified as a Variant of Uncertain Significance.

NM_005060.4(RORC):c.1121G>A (p.Arg374His)

Gene: RORC (RAR related orphan receptor C; minus strand). Cytogenetic location: 1q21.3.
Variant type: single nucleotide variant.
Coding change: c.1121G>A on transcript NM_005060.4 (MANE Select); coding-DNA position 1121, G replaced by A.
Protein change: p.Arg374His; replaces arginine 374 with histidine.
Molecular consequence: missense variant.
Genome position (GRCh38, 1-based): chr1:151,813,292, C>T on the plus strand (G>A on the coding strand, the complement: RORC is on the minus strand). VCF-style: chr1-151813292-C-T. GRCh37 (hg19) VCF-style: chr1-151785768-C-T.
Other names: c.1058G>A, p.Arg353His (NM_001001523.2); short protein forms R353H, R374H.
Identifiers: ClinVar variation 1426125 (VCV001426125.5), dbSNP rs200446012, ClinGen allele CA30493419.